The following is an entry in ClinVar:

NM_000051.4(ATM):c.8334dup (p.Phe2779fs)

Genes: ATM (ATM serine/threonine kinase; plus strand), C11orf65 (chromosome 11 open reading frame 65; minus strand). Cytogenetic location: 11q22.3.
Variant type: Duplication.
Coding change: c.8334dup on transcript NM_000051.4 (MANE Select); coding-DNA position 8334, one base duplicated (A; older notation c.8334dupA).
Protein change: p.Phe2779fs; shifts the reading frame from phenylalanine 2779.
Molecular consequence: frameshift variant. On other transcripts: intron variant (2).
Genome position (GRCh38, 1-based): chr11:108,343,287, A duplicated; the last of 2 consecutive A bases (chr11:108,343,286-108,343,287); duplicating either gives the same sequence. VCF-style (leftmost placement, unchanged base first): chr11-108343285-G-GA. GRCh37 (hg19) VCF-style: chr11-108214012-G-GA.
Other names: c.8334_8335insA (NM_000051.3); c.8334dup, p.Phe2779fs (NM_001351834.2); c.641-34215dup (NM_001330368.2); c.695-7994dup (NM_001351110.2); short protein forms F2779fs.
Identifiers: ClinVar variation 4690214 (VCV004690214.1).
Genomic context (GRCh38, chr11:108,343,285, plus strand): 5'-GTTCCCCTCTCTCAGCGAAGTGGTGTTCTTGAATGGTGCACAGGAACTGTCCCCATTGGT[G>GA]AATTTCTTGTTAACAATGAAGATGGTGCTCATAAAAGATACAGGCCAAATGATTTCAGTG-3'

ClinVar aggregate classification (germline): Likely pathogenic (1 of 4 stars; one submission).

Conditions:
Familial cancer of breast. Also called: BREAST CANCER, FAMILIAL; Hereditary breast cancer; hereditary breast carcinoma. Identifiers: Orphanet 227535, MedGen C0346153, MONDO:0016419, OMIM 114480. Disease mechanism: loss of function.

Submission:

KCCC/NGS Laboratory, Kuwait Cancer Control Center
Classification: Likely pathogenic for Familial cancer of breast. Last evaluated: 2025-12-01. Review status: criteria provided, single submitter. Criteria: ACMG Guidelines, 2015. Collection method: clinical testing. Allele origin: germline. Inheritance: Autosomal dominant inheritance. Affected: yes.
Comment: A novel likely pathogenic variant was detected in ATM gene (c.8334_8335insA, NM_000051.3). This sequence change creates a premature translational stop signal p.(Phe2779IlefsTer4) in the ATM gene. It is expected to result in an absent or disrupted protein product. Loss-of-function variants in ATM are known to be pathogenic (PMID: 23807571, 25614872). This variant is not present in population databases (gnomAD no frequency). This variant has not been reported in the literature in individuals affected with ATM-related conditions. ClinVar not contains an entry for this variant . Algorithms developed to predict the effect of sequence changes on RNA splicing suggest that this variant may disrupt the consensus splice site. For these reasons, this variant has been classified as Likely Pathogenic.This variant was confirmed by Sanger sequencing . Heterozygous Pathogenic mutations in the ATM gene are associated with increased risk of breast cancer, certain types of leukemias and lymphomas.